The following is an entry in ClinVar:

NM_001042517.2(DIAPH3):c.181-10T>A

Gene: DIAPH3 (diaphanous related formin 3; minus strand). Cytogenetic location: 13q21.2.
Variant type: single nucleotide variant.
Coding change: c.181-10T>A on transcript NM_001042517.2 (MANE Select); 10 bases into the intron before coding-DNA position 181, T replaced by A.
Molecular consequence: intron variant.
Genome position (GRCh38, 1-based): chr13:60,132,999, A>T on the plus strand (T>A on the coding strand, the complement: DIAPH3 is on the minus strand). VCF-style: chr13-60132999-A-T. GRCh37 (hg19) VCF-style: chr13-60707133-A-T.
Other names: c.181-10T>A (NM_001042517.1, NM_001258369.2); c.180+30588T>A (NM_001258368.2); c.181-20813T>A (NM_001258367.2, NM_001258366.2).
Identifiers: ClinVar variation 2880840 (VCV002880840.4), dbSNP rs1287466234, ClinGen allele CA610306412.
Genomic context (GRCh38, chr13:60,132,999, plus strand): 5'-AGTTGAGGATAATCTTACCATATCATCCGTCAGTGTCCTAATATTTAAATGCTGCAAATT[A>T]AAAAAAAGCAATCATATTAGTAATTTATAACAGCTTCTTTATTTTAGTTAATAGGGTACA-3'

ClinVar aggregate classification (germline): Likely benign. Review status: criteria provided, multiple submitters, no conflicts (2 of 4 stars). 2 submissions from 2 submitters: Likely benign (2). Last evaluated 2026-08-22.

Conditions:
DIAPH3-related disorder. Also called: DIAPH3-related condition.

Allele frequency attached by ClinVar (database versions not stated): gnomAD 0.00001; gnomAD exomes 0.00001.
gnomAD v4.1: 9 of 1,573,532 alleles (0.00057%); highest among the groups gnomAD compares: Middle Eastern, 0.017%; no homozygotes.

Submissions (2):

PreventionGenetics, part of Exact Sciences
Classification: Likely benign for DIAPH3-related condition. Last evaluated: 2026-08-22. Review status: criteria provided, single submitter. Criteria: ACMG Guidelines, 2015. Collection method: clinical testing. Allele origin: germline.
Comment: This variant is classified as likely benign based on ACMG/AMP sequence variant interpretation guidelines (Richards et al. 2015 PMID: 25741868, with internal and published modifications).

Labcorp Genetics (formerly Invitae), Labcorp
Classification: Likely benign. Last evaluated: 2024-02-17. Review status: criteria provided, single submitter. Criteria: Invitae Variant Classification Sherloc (09022015). Collection method: clinical testing. Allele origin: germline.